The following is an entry in ClinVar:

NM_001018005.2(TPM1):c.240+1G>A

Gene: TPM1 (tropomyosin 1; plus strand). Cytogenetic location: 15q22.2.
Variant type: single nucleotide variant.
Coding change: c.240+1G>A on transcript NM_001018005.2 (MANE Select); the canonical splice donor site of the intron after coding-DNA position 240, G replaced by A.
Molecular consequence: splice donor variant. On other transcripts: intron variant (10).
Genome position (GRCh38, 1-based): chr15:63,044,153, G>A. VCF-style: chr15-63044153-G-A. GRCh37 (hg19) VCF-style: chr15-63336352-G-A.
Other names: c.366+1G>A (NM_001365778.1, NM_001407323.1, NM_001407322.1 and 1 more transcripts); c.240+322G>A (NM_001407336.1, NM_001018020.2, NM_001407338.1 and 7 more transcripts); c.240+1G>A (NM_001407326.1, NM_001407337.1, NM_001018006.2 and 10 more transcripts).
Identifiers: ClinVar variation 181673 (VCV000181673.18), dbSNP rs730881146, ClinGen allele CA018733.

ClinVar aggregate classification (germline): Uncertain significance. Review status: criteria provided, multiple submitters, no conflicts (2 of 4 stars). 4 submissions from 4 submitters: Uncertain significance (4). Last evaluated 2025-01-31.

Conditions:
Cardiovascular phenotype. Identifiers: MedGen CN230736.
Hypertrophic cardiomyopathy. Also called: HYPERTROPHIC MYOCARDIOPATHY. Identifiers: Orphanet 217569, MedGen C0007194, MeSH D002312, MONDO:0005045, HP:0001639.

Submissions (4):

Labcorp Genetics (formerly Invitae), Labcorp
Classification: Uncertain significance for Hypertrophic cardiomyopathy. Last evaluated: 2025-01-31. Review status: criteria provided, single submitter. Criteria: Invitae Variant Classification Sherloc (09022015). Collection method: clinical testing. Allele origin: germline.
Comment: This sequence change affects a donor splice site in intron 2 of the TPM1 gene. It is expected to disrupt RNA splicing. Variants that disrupt the donor or acceptor splice site typically lead to a loss of protein function (PMID: 16199547), however the current clinical and genetic evidence is not sufficient to establish whether loss-of-function variants in TPM1 cause disease. This variant is not present in population databases (gnomAD no frequency). This variant has not been reported in the literature in individuals affected with TPM1-related conditions. ClinVar contains an entry for this variant (Variation ID: 181673). Algorithms developed to predict the effect of sequence changes on RNA splicing suggest that this variant may disrupt the consensus splice site. In summary, the available evidence is currently insufficient to determine the role of this variant in disease. Therefore, it has been classified as a Variant of Uncertain Significance.

GeneDx
Classification: Uncertain significance. Last evaluated: 2022-09-20. Review status: criteria provided, single submitter. Criteria: GeneDx Variant Classification Process June 2021. Collection method: clinical testing. Allele origin: germline. Affected: yes.
Comment: Not observed at significant frequency in large population cohorts (gnomAD); Canonical splice site variant with an unclear effect on protein function; Has not been previously published as pathogenic or benign to our knowledge

Ambry Genetics
Classification: Uncertain significance for Cardiovascular phenotype. Last evaluated: 2019-09-09. Review status: criteria provided, single submitter. Criteria: Ambry Variant Classification Scheme 2023. Collection method: clinical testing. Allele origin: germline.
Comment: The c.240+1G>A intronic variant results from a G to A substitution one nucleotide after coding exon 2 of the TPM1 gene. This nucleotide position is highly conserved in available vertebrate species. Using the BDGP and ESEfinder splice site prediction tools, this alteration is predicted to abolish the native splice donor site; however, direct evidence is unavailable. Alterations that disrupt the canonical splice site are expected to cause aberrant splicing, resulting in an abnormal protein or a transcript that is subject to nonsense-mediated mRNA decay. However, loss of function of TPM1 has not been clearly established as a mechanism of disease. Since supporting evidence is limited at this time, the clinical significance of this alteration remains unclear.

Laboratory for Molecular Medicine, Mass General Brigham Personalized Medicine
Classification: Uncertain significance. Last evaluated: 2015-02-12. Review status: criteria provided, single submitter. Criteria: LMM Criteria. Collection method: clinical testing. Allele origin: germline. Observed: 1 variant allele.
Comment: Variant classified as Uncertain Significance - Favor Pathogenic. The c.240+1G>A variant in TPM1 has not been previously reported in individuals with cardiomyopa thy and was absent from large population studies. This variant occurs in the inv ariant region (+/- 1,2) of the splice consensus sequence and is predicted to cau se altered splicing leading to an abnormal or absent protein. Despite the severi ty of the predicted impact it is unclear if this change causes disease because t his type of variant is very rare in this gene. In summary, while there is some s uspicion for a pathogenic role, the clinical significance of the c.240+1G>A vari ant is uncertain.

Literature cited by the submitters: PubMed 16199547 (cited by Labcorp Genetics (formerly Invitae), Labcorp).